The following is an entry in ClinVar:

NM_000384.3(APOB):c.4679C>G (p.Ser1560Cys)

Gene: APOB (apolipoprotein B; minus strand). Cytogenetic location: 2p24.1.
Variant type: single nucleotide variant.
Coding change: c.4679C>G on transcript NM_000384.3 (MANE Select); coding-DNA position 4679, C replaced by G.
Protein change: p.Ser1560Cys; replaces serine 1560 with cysteine.
Molecular consequence: missense variant.
Genome position (GRCh38, 1-based): chr2:21,012,189, G>C on the plus strand (C>G on the coding strand, the complement: APOB is on the minus strand). VCF-style: chr2-21012189-G-C. GRCh37 (hg19) VCF-style: chr2-21235061-G-C.
Other names: c.4679C>G (NM_000384.2); short protein forms S1560C.
Identifiers: ClinVar variation 2924012 (VCV002924012.3), dbSNP rs1281921250, ClinGen allele CA346006369.
Genomic context (GRCh38, chr2:21,012,189, plus strand): 5'-TTCTTATACTTCCCATTGGTGTCAGATTTTAAAGTCAGCTCGTAGTTCTCATACTTTAGG[G>C]AAGCAGTATTTTTAATGATGCCACTTTGCAGATCAGAGGTGGAGGTGAGGGAGAGGGTTC-3'
Protein context (NP_000375.3, residues 1550-1570): LQSGIIKNTA[Ser1560Cys]LKYENYELTL

ClinVar aggregate classification (germline): Uncertain significance. Review status: criteria provided, multiple submitters, no conflicts (2 of 4 stars). 3 submissions from 3 submitters: Uncertain significance (2). 1 of the submissions does not count toward it. Last evaluated 2025-04-28.

Conditions:
APOB-related disorder. Also called: APOB-related condition; APOB-related disorders.
Hypercholesterolemia, autosomal dominant, type B (FHCL2). Also called: APOB-Related Familial Hypercholesterolemia, Autosomal Dominant; Familial Hypercholesterolemia Type B; APOLIPOPROTEIN B-100, FAMILIAL DEFECTIVE; APOLIPOPROTEIN B-100, FAMILIAL LIGAND-DEFECTIVE; HYPERCHOLESTEROLEMIA, FAMILIAL, DUE TO LIGAND-DEFECTIVE APOLIPOPROTEIN B; Hyperlipoproteinemia Type IIb. Identifiers: MedGen C1704417, MONDO:0007751, OMIM 144010.
Familial hypobetalipoproteinemia 1. Also called: Hypobetalipoproteinemia, normotriglyceridemic; Acanthocytosis with hypobetalipoproteinemia; APOB-Related Familial Hypobetalipoproteinemia. Identifiers: MedGen C4551990, MONDO:0014252, OMIM 615558.

Allele frequency attached by ClinVar (database versions not stated): TOPMed below 0.00001; gnomAD 0.00001.

Submissions (3):

GeneDx
Classification: Uncertain significance. Last evaluated: 2025-04-28. Review status: criteria provided, single submitter. Criteria: GeneDx Variant Classification Process June 2021. Collection method: clinical testing. Allele origin: germline. Affected: yes.
Comment: Not observed at significant frequency in large population cohorts (gnomAD); In silico analysis supports that this missense variant has a deleterious effect on protein structure/function; Has not been previously published as pathogenic or benign to our knowledge; Also known as p.(S1533C)

Labcorp Genetics (formerly Invitae), Labcorp
Classification: Uncertain significance for Familial hypobetalipoproteinemia 1; Hypercholesterolemia, autosomal dominant, type B. Last evaluated: 2023-12-14. Review status: criteria provided, single submitter. Criteria: Invitae Variant Classification Sherloc (09022015). Collection method: clinical testing. Allele origin: germline.
Comment: This sequence change replaces serine, which is neutral and polar, with cysteine, which is neutral and slightly polar, at codon 1560 of the APOB protein (p.Ser1560Cys). This variant is not present in population databases (gnomAD no frequency). This variant has not been reported in the literature in individuals affected with APOB-related conditions. Advanced modeling of protein sequence and biophysical properties (such as structural, functional, and spatial information, amino acid conservation, physicochemical variation, residue mobility, and thermodynamic stability) performed at Invitae indicates that this missense variant is not expected to disrupt APOB protein function with a negative predictive value of 95%. In summary, the available evidence is currently insufficient to determine the role of this variant in disease. Therefore, it has been classified as a Variant of Uncertain Significance.

PreventionGenetics, part of Exact Sciences
Classification: Uncertain significance for APOB-related condition. Last evaluated: 2024-06-06. Review status: no assertion criteria provided. Collection method: clinical testing. Allele origin: germline. Not counted in ClinVar's aggregate classification.
Comment: The APOB c.4679C>G variant is predicted to result in the amino acid substitution p.Ser1560Cys. To our knowledge, this variant has not been reported in the literature or in a large population database, indicating this variant is rare. At this time, the clinical significance of this variant is uncertain due to the absence of conclusive functional and genetic evidence.